The following is an entry in ClinVar:

NM_001318510.2(ACSL4):c.476A>T (p.Tyr159Phe)

Gene: ACSL4 (acyl-CoA synthetase long chain family member 4; minus strand). Cytogenetic location: Xq23.
Variant type: single nucleotide variant.
Coding change: c.476A>T on transcript NM_001318510.2 (MANE Select); coding-DNA position 476, A replaced by T.
Protein change: p.Tyr159Phe; replaces tyrosine 159 with phenylalanine.
Molecular consequence: missense variant.
Genome position (GRCh38, 1-based): chrX:109,681,306, T>A on the plus strand (A>T on the coding strand, the complement: ACSL4 is on the minus strand). VCF-style: chrX-109681306-T-A. GRCh37 (hg19) VCF-style: chrX-108924535-T-A.
Other names: c.599A>T, p.Tyr200Phe (NM_001318509.2, NM_022977.3); c.476A>T, p.Tyr159Phe (NM_004458.3); short protein forms Y159F, Y200F.
Identifiers: ClinVar variation 3360140 (VCV003360140.2).

ClinVar aggregate classification (germline): Uncertain significance (1 of 4 stars; one submission).

Submission:

GeneDx
Classification: Uncertain significance. Last evaluated: 2025-10-30. Review status: criteria provided, single submitter. Criteria: GeneDx Variant Classification Process June 2021. Collection method: clinical testing. Allele origin: germline.
Comment: Has not been previously published as pathogenic or benign to our knowledge; Not observed at significant frequency in large population cohorts (gnomAD); In silico analysis suggests that this missense variant does not alter protein structure/function